The following is an entry in ClinVar:

NM_001458.5(FLNC):c.261T>C (p.His87=)

Gene: FLNC (filamin C; plus strand). Cytogenetic location: 7q32.1.
Variant type: single nucleotide variant.
Coding change: c.261T>C on transcript NM_001458.5 (MANE Select); coding-DNA position 261, T replaced by C.
Protein change: p.His87=; no amino-acid change (histidine 87 retained).
Molecular consequence: synonymous variant.
Genome position (GRCh38, 1-based): chr7:128,830,898, T>C. VCF-style: chr7-128830898-T-C. GRCh37 (hg19) VCF-style: chr7-128470952-T-C.
Other names: c.261T>C, p.His87= (NM_001127487.2).
Identifiers: ClinVar variation 1793934 (VCV001793934.8), dbSNP rs2536605555, ClinGen allele CA457846115.
Genomic context (GRCh38, chr7:128,830,898, plus strand): 5'-GCTCCGGCTCATCGCGCTGCTCGAGGTGCTCAGCCAGAAGCGCATGTACCGCAAGTTCCA[T>C]CCGCGCCCCAACTTCCGCCAAATGAAGCTGGAGAACGTGTCCGTGGCCCTCGAGTTCCTC-3'
Protein context (NP_001449.3, residues 77-97): LSQKRMYRKF[His87=]PRPNFRQMKL

ClinVar aggregate classification (germline): Likely benign. Review status: criteria provided, multiple submitters, no conflicts (2 of 4 stars). 3 submissions from 3 submitters: Likely benign (3). Last evaluated 2025-03-31.

Conditions:
Cardiovascular phenotype. Identifiers: MedGen CN230736.
Distal myopathy with posterior leg and anterior hand involvement. Also called: WILLIAMS DISTAL MYOPATHY. Identifiers: Orphanet 63273, MedGen C3279722, MONDO:0013550, OMIM 614065.
Hypertrophic cardiomyopathy 26. Also called: Cardiomyopathy, familial hypertrophic, 26. Identifiers: Orphanet 75249, MedGen C4310749, MONDO:0014883, OMIM 617047.
Myofibrillar myopathy 5. Also called: Filaminopathy (type); FILAMINOPATHY, AUTOSOMAL DOMINANT. Identifiers: Orphanet 171445, MedGen C1836050, MONDO:0012289, OMIM 609524.
FLNC-related disorder. Also called: FLNC-related condition; FLNC-related disorders.

Submissions (3):

PreventionGenetics, part of Exact Sciences
Classification: Likely benign for FLNC-related condition. Last evaluated: 2025-03-31. Review status: criteria provided, single submitter. Criteria: ACMG Guidelines, 2015. Collection method: clinical testing. Allele origin: germline.
Comment: This variant is classified as likely benign based on ACMG/AMP sequence variant interpretation guidelines (Richards et al. 2015 PMID: 25741868, with internal and published modifications).

Labcorp Genetics (formerly Invitae), Labcorp
Classification: Likely benign for Distal myopathy with posterior leg and anterior hand involvement; Myofibrillar myopathy 5; Hypertrophic cardiomyopathy 26. Last evaluated: 2022-04-29. Review status: criteria provided, single submitter. Criteria: Invitae Variant Classification Sherloc (09022015). Collection method: clinical testing. Allele origin: germline.

Ambry Genetics
Classification: Likely benign for Cardiovascular phenotype. Last evaluated: 2020-06-17. Review status: criteria provided, single submitter. Criteria: Ambry Variant Classification Scheme 2023. Collection method: clinical testing. Allele origin: germline.